The following is an entry in ClinVar:

ClinVar aggregate classification (germline): Uncertain significance. Review status: criteria provided, multiple submitters, no conflicts (2 of 4 stars). 2 submissions from 2 submitters: Uncertain significance (2). Last evaluated 2025-08-08.

Conditions:
Inborn genetic diseases. Identifiers: MedGen C0950123, MeSH D030342.

Allele frequency attached by ClinVar (database versions not stated): gnomAD exomes below 0.00001; TOPMed below 0.00001.
gnomAD v4.1: 3 of 1,614,206 alleles (0.00019%); highest among the groups gnomAD compares: Non-Finnish European, 0.00025%; no homozygotes.

Submissions (2):

Ambry Genetics
Classification: Uncertain significance for Inborn genetic diseases. Last evaluated: 2025-08-08. Review status: criteria provided, single submitter. Criteria: Ambry Variant Classification Scheme 2023. Collection method: clinical testing. Allele origin: germline.

GeneDx
Classification: Uncertain significance. Last evaluated: 2019-11-04. Review status: criteria provided, single submitter. Criteria: GeneDx Variant Classification Process June 2021. Collection method: clinical testing. Allele origin: germline. Affected: yes.
Comment: Not observed in large population cohorts (Lek et al., 2016); In silico analysis, which includes protein predictors and evolutionary conservation, supports that this variant does not alter protein structure/function; Has not been previously published as pathogenic or benign to our knowledge

NM_017433.5(MYO3A):c.4123A>G (p.Lys1375Glu)

Gene: MYO3A (myosin IIIA; plus strand). Cytogenetic location: 10p12.1.
Variant type: single nucleotide variant.
Coding change: c.4123A>G on transcript NM_017433.5 (MANE Select); coding-DNA position 4123, A replaced by G.
Protein change: p.Lys1375Glu; replaces lysine 1375 with glutamic acid.
Molecular consequence: missense variant.
Genome position (GRCh38, 1-based): chr10:26,174,387, A>G. VCF-style: chr10-26174387-A-G. GRCh37 (hg19) VCF-style: chr10-26463316-A-G.
Other names: short protein forms K1375E.
Identifiers: ClinVar variation 1309864 (VCV001309864.3), dbSNP rs1227000239, ClinGen allele CA376340866.